The following is an entry in ClinVar:

ClinVar aggregate classification (germline): Uncertain significance. Review status: criteria provided, multiple submitters, no conflicts (2 of 4 stars). 4 submissions from 2 submitters: Uncertain significance (4). Last evaluated 2023-07-14.

Conditions:
Nephronophthisis 11 (NPHP11). Identifiers: Orphanet 84081, MedGen C3150796, MONDO:0013302, OMIM 613550.
Joubert syndrome 6 (JBTS6). Identifiers: Orphanet 475, MedGen C1853153, MONDO:0012539, OMIM 610688.
Meckel syndrome, type 3 (MKS3). Also called: MECKEL-GRUBER SYNDROME, TYPE 3. Identifiers: Orphanet 564, MedGen C1846357, MONDO:0011821, OMIM 607361.

Allele frequency attached by ClinVar (database versions not stated): gnomAD exomes 0.00001.

Submissions (4):

Mayo Clinic Laboratories, Mayo Clinic
Classification: Uncertain significance. Last evaluated: 2023-07-14. Review status: criteria provided, single submitter. Criteria: ACMG Guidelines, 2015. Collection method: clinical testing. Allele origin: germline. Observed: 1 variant allele.
Comment: PP3, PM2_moderate

Illumina Laboratory Services, Illumina
Classification: Uncertain significance for Joubert syndrome 6. Last evaluated: 2018-01-12. Review status: criteria provided, single submitter. Criteria: ICSL Variant Classification Criteria 13 December 2019. Collection method: clinical testing. Allele origin: germline.

Illumina Laboratory Services, Illumina
Classification: Uncertain significance for Meckel syndrome, type 3. Last evaluated: 2018-01-12. Review status: criteria provided, single submitter. Criteria: ICSL Variant Classification Criteria 13 December 2019. Collection method: clinical testing. Allele origin: germline.

Illumina Laboratory Services, Illumina
Classification: Uncertain significance for Nephronophthisis 11. Last evaluated: 2018-01-12. Review status: criteria provided, single submitter. Criteria: ICSL Variant Classification Criteria 13 December 2019. Collection method: clinical testing. Allele origin: germline.

NM_153704.6(TMEM67):c.2975G>T (p.Arg992Ile)

Gene: TMEM67 (transmembrane protein 67; plus strand). Cytogenetic location: 8q22.1.
Variant type: single nucleotide variant.
Coding change: c.2975G>T on transcript NM_153704.6 (MANE Select); coding-DNA position 2975, G replaced by T.
Protein change: p.Arg992Ile; replaces arginine 992 with isoleucine.
Molecular consequence: missense variant. On other transcripts: non-coding transcript variant (1).
Genome position (GRCh38, 1-based): chr8:93,816,439, G>T. VCF-style: chr8-93816439-G-T. GRCh37 (hg19) VCF-style: chr8-94828667-G-T.
Other names: p.Arg992Ile; c.2732G>T, p.Arg911Ile (NM_001142301.1); short protein forms R992I, R911I.
Identifiers: ClinVar variation 363929 (VCV000363929.6), dbSNP rs886063173, ClinGen allele CA10625901.
Genomic context (GRCh38, chr8:93,816,439, plus strand): 5'-GATATATCCGTAATACAGTAGGACAAAAGAATTTGGCATCCAAAACATTGGTGGATCAAA[G>T]ATTTTTGATTTAACTTCCTGAATAAATAACTTAAAGACTCAGTATAATCATGGCCAAAAA-3'
Protein context (NP_714915.3, residues 982-995): NLASKTLVDQ[Arg992Ile]FLI